The following is an entry in ClinVar:

ClinVar aggregate classification (germline): Uncertain significance (1 of 4 stars; one submission).

Conditions:
Polycystic kidney disease, adult type (PKD1). Also called: Polycystic Kidney, Autosomal Dominant; POLYCYSTIC KIDNEY DISEASE 1 WITH OR WITHOUT POLYCYSTIC LIVER DISEASE; POLYCYSTIC KIDNEY DISEASE, ADULT, TYPE I; Polycystic Kidney Disease 1, Autosomal Dominant; Polycystic kidney disease 1; Polycystic kidney disease 1, severe. Identifiers: MedGen C3149841, MONDO:0008263, OMIM 173900.

Submission:

MVZ Medizinische Genetik Mainz
Classification: Uncertain significance for Polycystic kidney disease, adult type. Last evaluated: 2024-08-13. Review status: criteria provided, single submitter. Criteria: UK Practice Guidelines For Variant Classification V4 01 2020. Collection method: clinical testing. Allele origin: germline. Inheritance: Autosomal dominant inheritance. Affected: yes. Observed: 1 variant allele.
Comment: ACMG Criteria: PM4,PM2_SUP,PP4

NM_001009944.3(PKD1):c.12911A>G (p.Ter4304Trp)

Gene: PKD1 (polycystin 1, transient receptor potential channel interacting; minus strand). Cytogenetic location: 16p13.3.
Variant type: single nucleotide variant.
Coding change: c.12911A>G on transcript NM_001009944.3 (MANE Select); coding-DNA position 12911, A replaced by G.
Protein change: p.Ter4304Trp.
Molecular consequence: stop lost.
Genome position (GRCh38, 1-based): chr16:2,089,728, T>C on the plus strand (A>G on the coding strand, the complement: PKD1 is on the minus strand). VCF-style: chr16-2089728-T-C. GRCh37 (hg19) VCF-style: chr16-2139729-T-C.
Other names: c.12908A>G, p.Ter4303Trp (NM_000296.4).
Identifiers: ClinVar variation 3338377 (VCV003338377.1).